The following is an entry in ClinVar:

NM_002087.4(GRN):c.1468G>A (p.Val490Met)

Gene: GRN (granulin precursor; plus strand). Cytogenetic location: 17q21.31.
Variant type: single nucleotide variant.
Coding change: c.1468G>A on transcript NM_002087.4 (MANE Select); coding-DNA position 1468, G replaced by A.
Protein change: p.Val490Met; replaces valine 490 with methionine.
Molecular consequence: missense variant.
Genome position (GRCh38, 1-based): chr17:44,352,395, G>A. VCF-style: chr17-44352395-G-A. GRCh37 (hg19) VCF-style: chr17-42429763-G-A.
Other names: short protein forms V490M.
Identifiers: ClinVar variation 323536 (VCV000323536.15), dbSNP rs886053006, ClinGen allele CA10650271.

ClinVar aggregate classification (germline): Uncertain significance. Review status: criteria provided, multiple submitters, no conflicts (2 of 4 stars). 3 submissions from 3 submitters: Uncertain significance (3). Last evaluated 2026-02-11.

Conditions:
Inborn genetic diseases. Identifiers: MedGen C0950123, MeSH D030342.
GRN-related frontotemporal lobar degeneration with Tdp43 inclusions (FTD2). Also called: DEMENTIA, HEREDITARY DYSPHASIC DISINHIBITION; FRONTOTEMPORAL LOBAR DEGENERATION WITH UBIQUITIN-POSITIVE INCLUSIONS; FTLD-TDP, GRN-RELATED; GRN Frontotemporal Dementia; FRONTOTEMPORAL DEMENTIA WITH TDP43 INCLUSIONS, GRN-RELATED. Identifiers: Orphanet 100070, Orphanet 282, MedGen C1843792, MONDO:0011842, OMIM 607485. Disease mechanism: loss of function.
Neuronal ceroid lipofuscinosis 11. Also called: GRN-Related Neuronal Ceroid-Lipofuscinosis. Identifiers: Orphanet 314629, Orphanet 79262, MedGen C3539123, MONDO:0013866, OMIM 614706.

Allele frequency attached by ClinVar (database versions not stated): TOPMed below 0.00001; gnomAD 0.00001; gnomAD exomes 0.00001.

Submissions (3):

Ambry Genetics
Classification: Uncertain significance for Inborn genetic diseases. Last evaluated: 2026-02-11. Review status: criteria provided, single submitter. Criteria: Ambry Variant Classification Scheme 2023. Collection method: clinical testing. Allele origin: germline.

Labcorp Genetics (formerly Invitae), Labcorp
Classification: Uncertain significance for Neuronal ceroid lipofuscinosis 11; GRN-related frontotemporal lobar degeneration with Tdp43 inclusions. Last evaluated: 2025-06-16. Review status: criteria provided, single submitter. Criteria: Invitae Variant Classification Sherloc (09022015). Collection method: clinical testing. Allele origin: germline.
Comment: This sequence change replaces valine, which is neutral and non-polar, with methionine, which is neutral and non-polar, at codon 490 of the GRN protein (p.Val490Met). This variant is not present in population databases (gnomAD no frequency). This missense change has been observed in individual(s) with clinical features of GRN-related conditions (internal data). ClinVar contains an entry for this variant (Variation ID: 323536). Invitae Evidence Modeling of protein sequence and biophysical properties (such as structural, functional, and spatial information, amino acid conservation, physicochemical variation, residue mobility, and thermodynamic stability) indicates that this missense variant is not expected to disrupt GRN protein function with a negative predictive value of 80%. In summary, the available evidence is currently insufficient to determine the role of this variant in disease. Therefore, it has been classified as a Variant of Uncertain Significance.

Illumina Laboratory Services, Illumina
Classification: Uncertain significance for GRN-related frontotemporal lobar degeneration with Tdp43 inclusions. Last evaluated: 2018-01-12. Review status: criteria provided, single submitter. Criteria: ICSL Variant Classification Criteria 13 December 2019. Collection method: clinical testing. Allele origin: germline.

Literature cited by the submitters: PubMed 40055834 (cited by Ambry Genetics).